The following is an entry in ClinVar:

NM_000548.5(TSC2):c.3291C>G (p.Ser1097Arg)

Gene: TSC2 (TSC complex subunit 2; plus strand). Cytogenetic location: 16p13.3.
Variant type: single nucleotide variant.
Coding change: c.3291C>G on transcript NM_000548.5 (MANE Select); coding-DNA position 3291, C replaced by G.
Protein change: p.Ser1097Arg; replaces serine 1097 with arginine.
Molecular consequence: missense variant.
Genome position (GRCh38, 1-based): chr16:2,079,563, C>G. VCF-style: chr16-2079563-C-G. GRCh37 (hg19) VCF-style: chr16-2129564-C-G.
Other names: c.3159C>G, p.Ser1053Arg (NM_001077183.3, NM_001370404.1); c.3291C>G, p.Ser1097Arg (NM_001114382.3); c.3051C>G, p.Ser1017Arg (NM_001318827.2); c.3015C>G, p.Ser1005Arg (NM_001318829.2); c.2559C>G, p.Ser853Arg (NM_001318831.2); c.3192C>G, p.Ser1064Arg (NM_001318832.2); c.3162C>G, p.Ser1054Arg (NM_001363528.2, NM_001370405.1, NM_021055.3); short protein forms S1005R, S1017R, S1064R, S853R, S1054R, S1097R, S1053R.
Identifiers: ClinVar variation 958501 (VCV000958501.14), dbSNP rs1173297358, ClinGen allele CA394286453.

ClinVar aggregate classification (germline): Conflicting classifications of pathogenicity. Review status: criteria provided, conflicting classifications (1 of 4 stars). 4 submissions from 4 submitters: Uncertain significance (2); Benign (1); Likely benign (1). Last evaluated 2025-10-21.

Conditions:
Hereditary cancer-predisposing syndrome. Also called: Hereditary neoplastic syndrome; Tumor predisposition; Neoplastic Syndromes, Hereditary; Hereditary Cancer Syndrome. Identifiers: Orphanet 140162, MedGen C0027672, MeSH D009386, MONDO:0015356.
Isolated focal cortical dysplasia type II (FCORD2). Also called: Focal cortical dysplasia type II; CORTICAL DYSPLASIA OF TAYLOR. Identifiers: Orphanet 268994, MedGen C1846385, MONDO:0011818, OMIM 607341, HP:0032051.
Lymphangiomyomatosis (LAM). Also called: Lymphangioleiomyomatosis, somatic; Lymphangioleiomyomatosis. Identifiers: Orphanet 538, MedGen C0751674, MONDO:0011705, OMIM 606690.
Tuberous sclerosis 2 (TSC2). Identifiers: Orphanet 805, MedGen C1860707, MONDO:0013199, OMIM 613254.

Allele frequency attached by ClinVar (database versions not stated): TOPMed 0.00001.
gnomAD v4.1: 2 of 1,610,220 alleles (0.00012%); highest among the groups gnomAD compares: African/African-American, 0.0027%; no homozygotes.

Submissions (4):

Labcorp Genetics (formerly Invitae), Labcorp
Classification: Benign for Tuberous sclerosis 2. Last evaluated: 2025-10-21. Review status: criteria provided, single submitter. Criteria: Invitae Variant Classification Sherloc (09022015). Collection method: clinical testing. Allele origin: germline.

Myriad Genetics, Inc.
Classification: Likely benign for Tuberous sclerosis 2. Last evaluated: 2024-08-16. Review status: criteria provided, single submitter. Criteria: Myriad Autosomal Dominant, Autosomal Recessive and X-Linked Classification Criteria (2023). Collection method: clinical testing. Allele origin: unknown.
Comment: This variant is considered likely benign. This variant has been observed at a population frequency that is significantly greater than expected given the associated disease prevalence and penetrance.

Fulgent Genetics
Classification: Uncertain significance for Lymphangiomyomatosis; Isolated focal cortical dysplasia type II; Tuberous sclerosis 2. Last evaluated: 2024-02-27. Review status: criteria provided, single submitter. Criteria: ACMG Guidelines, 2015. Collection method: clinical testing. Allele origin: germline.

Ambry Genetics
Classification: Uncertain significance for Hereditary cancer-predisposing syndrome. Last evaluated: 2023-09-14. Review status: criteria provided, single submitter. Criteria: Ambry Variant Classification Scheme 2023. Collection method: clinical testing. Allele origin: germline.
Comment: The p.S1097R variant (also known as c.3291C>G), located in coding exon 28 of the TSC2 gene, results from a C to G substitution at nucleotide position 3291. The serine at codon 1097 is replaced by arginine, an amino acid with dissimilar properties. This amino acid position is poorly conserved in available vertebrate species. In addition, the in silico prediction for this alteration is inconclusive. Since supporting evidence is limited at this time, the clinical significance of this alteration remains unclear.